The following is an entry in ClinVar:

ClinVar aggregate classification (germline): Uncertain significance (1 of 4 stars; one submission).

Submission:

CeGaT Center for Human Genetics Tuebingen
Classification: Uncertain significance. Last evaluated: 2022-08-01. Review status: criteria provided, single submitter. Criteria: CeGaT Center For Human Genetics Tuebingen Variant Classification Criteria Version 2. Collection method: clinical testing. Allele origin: germline. Affected: yes. Observed: 1 variant allele.
Comment: HK1: PM2

NM_000188.3(HK1):c.1327CTC[1] (p.Leu444del)

Gene: HK1 (hexokinase 1; plus strand). Cytogenetic location: 10q22.1.
Variant type: Microsatellite.
Coding change: c.1327CTC[1] on transcript NM_000188.3 (MANE Select); one copy of the 3-base unit CTC starting at c.1327; the reference has two copies in a row; one copy, 3 bases deleted.
Protein change: p.Leu444del; deletes leucine 444.
Molecular consequence: inframe deletion.
Genome position (GRCh38, 1-based): chr10:69,382,551-69,382,553, CTC deleted; deleting any 3 consecutive bases within chr10:69,382,546-69,382,553 gives the same sequence; the position shown is the placement nearest the transcript's 3' end. VCF-style (leftmost placement, unchanged base first): chr10-69382545-TTCC-T. GRCh37 (hg19) VCF-style: chr10-71142301-TTCC-T.
Other names: c.1339CTC[1], p.Leu448del (NM_001322364.2, NM_001358263.1, NM_033497.3 and 1 more transcripts); c.1432CTC[1], p.Leu479del (NM_001322365.2); c.1243CTC[1], p.Leu416del (NM_001322366.1); c.1231CTC[1], p.Leu412del (NM_001322367.1); c.1324CTC[1], p.Leu443del (NM_033496.3); c.1291CTC[1], p.Leu432del (NM_033500.2); short protein forms L412del, L416del, L432del, L443del, L444del, L448del, L479del.
Identifiers: ClinVar variation 2640550 (VCV002640550.24), dbSNP rs2540421763, ClinGen allele CA2695199503.
Genomic context (GRCh38, chr10:69,382,545, plus strand): 5'-AGGTATTCCCGGCGTTTCCACAAGACTCTAAGGCGCTTGGTGCCAGACTCCGATGTGCGC[TTCC>T]TCCTCTCGGAGAGTGGCAGCGGCAAGGGGGCTGCCATGGTGACGGCGGTGGCCTACCGCT-3'